The following is an entry in ClinVar:

NM_015896.4(ZMYND10):c.732G>A (p.Trp244Ter)

Gene: ZMYND10 (zinc finger MYND-type containing 10; minus strand). Cytogenetic location: 3p21.31.
Variant type: single nucleotide variant.
Coding change: c.732G>A on transcript NM_015896.4 (MANE Select); coding-DNA position 732, G replaced by A.
Protein change: p.Trp244Ter; replaces tryptophan 244 with a stop codon.
Molecular consequence: nonsense.
Genome position (GRCh38, 1-based): chr3:50,342,538, C>T on the plus strand (G>A on the coding strand, the complement: ZMYND10 is on the minus strand). VCF-style: chr3-50342538-C-T. GRCh37 (hg19) VCF-style: chr3-50379969-C-T.
Other names: c.717G>A, p.Trp239Ter (NM_001308379.2); short protein forms W244*, W239*.
Identifiers: ClinVar variation 2876009 (VCV002876009.3), dbSNP rs1161101663, ClinGen allele CA352940234.

ClinVar aggregate classification (germline): Pathogenic (1 of 4 stars; one submission).

Conditions:
Primary ciliary dyskinesia. Also called: Ciliary dyskinesia. Identifiers: Orphanet 244, MedGen C0008780, MONDO:0016575, HP:0012265.

Allele frequency attached by ClinVar (database versions not stated): TOPMed below 0.00001.

Submission:

Labcorp Genetics (formerly Invitae), Labcorp
Classification: Pathogenic for Primary ciliary dyskinesia. Last evaluated: 2024-06-08. Review status: criteria provided, single submitter. Criteria: Invitae Variant Classification Sherloc (09022015). Collection method: clinical testing. Allele origin: germline.
Comment: This sequence change creates a premature translational stop signal (p.Trp244*) in the ZMYND10 gene. It is expected to result in an absent or disrupted protein product. Loss-of-function variants in ZMYND10 are known to be pathogenic (PMID: 23891469, 23891471). This variant is not present in population databases (gnomAD no frequency). This variant has not been reported in the literature in individuals affected with ZMYND10-related conditions. Algorithms developed to predict the effect of sequence changes on RNA splicing suggest that this variant may create or strengthen a splice site. For these reasons, this variant has been classified as Pathogenic.

Literature cited by the submitters: PubMed 23891469; PubMed 23891471.